The following is an entry in ClinVar:

ClinVar aggregate classification (germline): Uncertain significance (1 of 4 stars; one submission).

Conditions:
Carnitine palmitoyl transferase 1A deficiency. Also called: Carnitine palmitoyltransferase 1A deficiency; CPT I DEFICIENCY; CPT DEFICIENCY, HEPATIC, TYPE I; CPT deficiency, hepatic, type IA; Carnitine palmitoyltransferase type I deficiency. Identifiers: Orphanet 156, MedGen C1829703, MONDO:0009705, OMIM 255120.

Allele frequency attached by ClinVar (database versions not stated): TOPMed below 0.00001; gnomAD 0.00001; ExAC 0.00002; gnomAD exomes 0.00002; 1000 Genomes Project 30x 0.00016; 1000 Genomes Project 0.00020.
gnomAD v4.1: 25 of 1,614,156 alleles (0.0015%); highest among the groups gnomAD compares: Non-Finnish European, 0.002%; no homozygotes.

Submission:

Labcorp Genetics (formerly Invitae), Labcorp
Classification: Uncertain significance for Carnitine palmitoyl transferase 1A deficiency. Last evaluated: 2021-09-17. Review status: criteria provided, single submitter. Criteria: Invitae Variant Classification Sherloc (09022015). Collection method: clinical testing. Allele origin: germline.
Comment: This sequence change replaces glycine with serine at codon 273 of the CPT1A protein (p.Gly273Ser). The glycine residue is moderately conserved and there is a small physicochemical difference between glycine and serine. This variant is present in population databases (rs144347513, ExAC 0.003%). This variant has been observed in individual(s) with a positive newborn screening result for CPT1A-related disease (Invitae). Algorithms developed to predict the effect of missense changes on protein structure and function (SIFT, PolyPhen-2, Align-GVGD) all suggest that this variant is likely to be tolerated. In summary, the available evidence is currently insufficient to determine the role of this variant in disease. Therefore, it has been classified as a Variant of Uncertain Significance.

NM_001876.4(CPT1A):c.817G>A (p.Gly273Ser)

Gene: CPT1A (carnitine palmitoyltransferase 1A; minus strand). Cytogenetic location: 11q13.3.
Variant type: single nucleotide variant.
Coding change: c.817G>A on transcript NM_001876.4 (MANE Select); coding-DNA position 817, G replaced by A.
Protein change: p.Gly273Ser; replaces glycine 273 with serine.
Molecular consequence: missense variant.
Genome position (GRCh38, 1-based): chr11:68,794,866, C>T on the plus strand (G>A on the coding strand, the complement: CPT1A is on the minus strand). VCF-style: chr11-68794866-C-T. GRCh37 (hg19) VCF-style: chr11-68562334-C-T.
Other names: c.817G>A, p.Gly273Ser (NM_001031847.3); short protein forms G273S.
Identifiers: ClinVar variation 2148517 (VCV002148517.1), dbSNP rs144347513, ClinGen allele CA6152513.